The following is an entry in ClinVar:

ClinVar aggregate classification (germline): Uncertain significance. Review status: criteria provided, multiple submitters, no conflicts (2 of 4 stars). 2 submissions from 2 submitters: Uncertain significance (2). Last evaluated 2024-04-25.

Conditions:
Hereditary pulmonary alveolar proteinosis. Also called: Pulmonary surfactant metabolism dysfunction. Identifiers: Orphanet 264675, MedGen C3711368, MONDO:0012580.

Allele frequency attached by ClinVar (database versions not stated): ExAC 0.00001; TOPMed 0.00002; gnomAD 0.00004.
gnomAD v4.1: 17 of 1,609,632 alleles (0.0011%); highest among the groups gnomAD compares: African/African-American, 0.013%; no homozygotes.

Submissions (2):

Ambry Genetics
Classification: Uncertain significance for Hereditary pulmonary alveolar proteinosis. Last evaluated: 2024-04-25. Review status: criteria provided, single submitter. Criteria: Ambry Variant Classification Scheme 2023. Collection method: clinical testing. Allele origin: germline.
Comment: The p.V1631M variant (also known as c.4891G>A), located in coding exon 28 of the ABCA3 gene, results from a G to A substitution at nucleotide position 4891. The valine at codon 1631 is replaced by methionine, an amino acid with highly similar properties. This amino acid position is conserved. In addition, this alteration is predicted to be tolerated by in silico analysis. Based on the available evidence, the clinical significance of this variant remains unclear.

Labcorp Genetics (formerly Invitae), Labcorp
Classification: Uncertain significance. Last evaluated: 2022-06-08. Review status: criteria provided, single submitter. Criteria: Invitae Variant Classification Sherloc (09022015). Collection method: clinical testing. Allele origin: germline.
Comment: This sequence change replaces valine, which is neutral and non-polar, with methionine, which is neutral and non-polar, at codon 1631 of the ABCA3 protein (p.Val1631Met). This variant is present in population databases (rs775170914, gnomAD 0.02%). This variant has not been reported in the literature in individuals affected with ABCA3-related conditions. Algorithms developed to predict the effect of missense changes on protein structure and function (SIFT, PolyPhen-2, Align-GVGD) all suggest that this variant is likely to be tolerated. In summary, the available evidence is currently insufficient to determine the role of this variant in disease. Therefore, it has been classified as a Variant of Uncertain Significance.

NM_001089.3(ABCA3):c.4891G>A (p.Val1631Met)

Gene: ABCA3 (ATP binding cassette subfamily A member 3; minus strand). Cytogenetic location: 16p13.3.
Variant type: single nucleotide variant.
Coding change: c.4891G>A on transcript NM_001089.3 (MANE Select); coding-DNA position 4891, G replaced by A.
Protein change: p.Val1631Met; replaces valine 1631 with methionine.
Molecular consequence: missense variant.
Genome position (GRCh38, 1-based): chr16:2,277,897, C>T on the plus strand (G>A on the coding strand, the complement: ABCA3 is on the minus strand). VCF-style: chr16-2277897-C-T. GRCh37 (hg19) VCF-style: chr16-2327898-C-T.
Other names: short protein forms V1631M.
Identifiers: ClinVar variation 1934163 (VCV001934163.4), dbSNP rs775170914, ClinGen allele CA7839993.